The following is an entry in ClinVar:

NC_000016.9:g.(?_77331166)_(77331332_?)del

Gene: ADAMTS18 (ADAM metallopeptidase with thrombospondin type 1 motif 18; minus strand). Cytogenetic location: 16q23.1.
Variant type: Deletion.
Identifiers: ClinVar variation 1460298 (VCV001460298.5).

ClinVar aggregate classification (germline): Pathogenic (1 of 4 stars; one submission).

Submission:

Labcorp Genetics (formerly Invitae), Labcorp
Classification: Pathogenic. Last evaluated: 2023-07-03. Review status: criteria provided, single submitter. Criteria: Invitae Variant Classification Sherloc (09022015). Collection method: clinical testing. Allele origin: germline.
Comment: For these reasons, this variant has been classified as Pathogenic. This variant has not been reported in the literature in individuals affected with ADAMTS18-related conditions. This variant is a gross deletion of the genomic region encompassing exon(s) 18 of the ADAMTS18 gene. This deletion is out-of-frame, and is expected to create a premature termination codon and result in an absent or disrupted protein product. Loss-of-function variants in ADAMTS18 are known to be pathogenic (PMID: 23818446, 24874986).

Literature cited by the submitters: PubMed 23818446; PubMed 24874986.